The following is an entry in ClinVar:

ClinVar aggregate classification (germline): Uncertain significance (1 of 4 stars; one submission).

Conditions:
RYR1-related disorder. Also called: RYR1-related condition; RYR1-related disorders. Identifiers: MedGen CN239331.

Submission:

Labcorp Genetics (formerly Invitae), Labcorp
Classification: Uncertain significance for RYR1-related disorder. Last evaluated: 2022-07-05. Review status: criteria provided, single submitter. Criteria: Invitae Variant Classification Sherloc (09022015). Collection method: clinical testing. Allele origin: germline.
Comment: In summary, the available evidence is currently insufficient to determine the role of this variant in disease. Therefore, it has been classified as a Variant of Uncertain Significance. Advanced modeling of protein sequence and biophysical properties (such as structural, functional, and spatial information, amino acid conservation, physicochemical variation, residue mobility, and thermodynamic stability) performed at Invitae indicates that this missense variant is not expected to disrupt RYR1 protein function. This variant has not been reported in the literature in individuals affected with RYR1-related conditions. This variant is not present in population databases (gnomAD no frequency). This sequence change replaces glycine, which is neutral and non-polar, with serine, which is neutral and polar, at codon 4595 of the RYR1 protein (p.Gly4595Ser).

NM_000540.3(RYR1):c.13783G>A (p.Gly4595Ser)

Gene: RYR1 (ryanodine receptor 1; plus strand). Cytogenetic location: 19q13.2.
Variant type: single nucleotide variant.
Coding change: c.13783G>A on transcript NM_000540.3 (MANE Select); coding-DNA position 13783, G replaced by A.
Protein change: p.Gly4595Ser; replaces glycine 4595 with serine.
Molecular consequence: missense variant.
Genome position (GRCh38, 1-based): chr19:38,572,055, G>A. VCF-style: chr19-38572055-G-A. GRCh37 (hg19) VCF-style: chr19-39062695-G-A.
Other names: c.13768G>A, p.Gly4590Ser (NM_001042723.2); short protein forms G4595S, G4590S.
Identifiers: ClinVar variation 1981293 (VCV001981293.4), dbSNP rs1196887064, ClinGen allele CA405680214.